The following is an entry in ClinVar:

NM_032634.4(PIGO):c.309del (p.Lys103fs)

Gene: PIGO (phosphatidylinositol glycan anchor biosynthesis class O; minus strand). Cytogenetic location: 9p13.3.
Variant type: Deletion.
Coding change: c.309del on transcript NM_032634.4 (MANE Select); coding-DNA position 309, one base deleted (A; older notation c.309delA).
Protein change: p.Lys103fs; shifts the reading frame from lysine 103.
Molecular consequence: frameshift variant.
Genome position (GRCh38, 1-based): chr9:35,095,257, T deleted on the plus strand (A on the coding strand, the reverse complement: PIGO is on the minus strand); the first of 3 consecutive T bases (chr9:35,095,257-35,095,259); deleting any one gives the same sequence. VCF-style (leftmost placement, unchanged base first): chr9-35095256-GT-G. GRCh37 (hg19) VCF-style: chr9-35095253-GT-G.
Other names: c.309del, p.Lys103fs (NM_001201484.2, NM_152850.4); short protein forms K103fs.
Identifiers: ClinVar variation 2017642 (VCV002017642.4), dbSNP rs2131083888, ClinGen allele CA2580080466.

ClinVar aggregate classification (germline): Pathogenic (1 of 4 stars; one submission).

Conditions:
Hyperphosphatasia with impaired intellectual development syndrome 2. Also called: GLYCOSYLPHOSPHATIDYLINOSITOL BIOSYNTHESIS DEFECT 6; Hyperphosphatasia with intellectual disability syndrome 2. Identifiers: Orphanet 247262, MedGen C3553637, MONDO:0013882, OMIM 614749.

Submission:

Labcorp Genetics (formerly Invitae), Labcorp
Classification: Pathogenic for Hyperphosphatasia with impaired intellectual development syndrome 2. Last evaluated: 2022-07-16. Review status: criteria provided, single submitter. Criteria: Invitae Variant Classification Sherloc (09022015). Collection method: clinical testing. Allele origin: germline.
Comment: This sequence change creates a premature translational stop signal (p.Lys103Asnfs*2) in the PIGO gene. It is expected to result in an absent or disrupted protein product. Loss-of-function variants in PIGO are known to be pathogenic (PMID: 22683086, 24417746). For these reasons, this variant has been classified as Pathogenic. This variant has not been reported in the literature in individuals affected with PIGO-related conditions. This variant is not present in population databases (gnomAD no frequency).

Literature cited by the submitters: PubMed 22683086; PubMed 24417746.